The following is an entry in ClinVar:

NM_005210.4(CRYGB):c.44G>A (p.Arg15His)

Genes: CRYGB (crystallin gamma B; minus strand), LOC100507443 (uncharacterized LOC100507443; plus strand). Cytogenetic location: 2q33.3.
Variant type: single nucleotide variant.
Coding change: c.44G>A on transcript NM_005210.4 (MANE Select); coding-DNA position 44, G replaced by A.
Protein change: p.Arg15His; replaces arginine 15 with histidine.
Molecular consequence: missense variant.
Genome position (GRCh38, 1-based): chr2:208,145,982, C>T on the plus strand (G>A on the coding strand, the complement: CRYGB is on the minus strand). VCF-style: chr2-208145982-C-T. GRCh37 (hg19) VCF-style: chr2-209010706-C-T.
Other names: short protein forms R15H.
Identifiers: ClinVar variation 572782 (VCV000572782.9), dbSNP rs370450145, ClinGen allele CA2078174.

ClinVar aggregate classification (germline): Uncertain significance (1 of 4 stars; one submission).

Conditions:
Cataract 39 multiple types. Also called: Cataract 39, multiple types, autosomal dominant. Identifiers: Orphanet 91492, MedGen C3808800, MONDO:0014075, OMIM 615188.

Allele frequency attached by ClinVar (database versions not stated): ExAC 0.00003; gnomAD exomes 0.00003 and 0.00006; gnomAD 0.00009 and 0.00010; TOPMed 0.00014; 1000 Genomes Project 30x 0.00016; 1000 Genomes Project 0.00020.

Submission:

Labcorp Genetics (formerly Invitae), Labcorp
Classification: Uncertain significance for Cataract 39 multiple types. Last evaluated: 2024-01-19. Review status: criteria provided, single submitter. Criteria: Invitae Variant Classification Sherloc (09022015). Collection method: clinical testing. Allele origin: germline.
Comment: This sequence change replaces arginine, which is basic and polar, with histidine, which is basic and polar, at codon 15 of the CRYGB protein (p.Arg15His). This variant is present in population databases (rs370450145, gnomAD 0.02%). This variant has not been reported in the literature in individuals affected with CRYGB-related conditions. ClinVar contains an entry for this variant (Variation ID: 572782). Algorithms developed to predict the effect of missense changes on protein structure and function output the following: SIFT: "Not Available"; PolyPhen-2: "Benign"; Align-GVGD: "Not Available". The histidine amino acid residue is found in multiple mammalian species, which suggests that this missense change does not adversely affect protein function. In summary, the available evidence is currently insufficient to determine the role of this variant in disease. Therefore, it has been classified as a Variant of Uncertain Significance.